The following is an entry in ClinVar:

ClinVar aggregate classification (germline): Uncertain significance (1 of 4 stars; one submission).

gnomAD v4.1: 1 of 1,602,686 alleles (0.000062%); highest among the groups gnomAD compares: Non-Finnish European, 0.000085%; no homozygotes.

Submission:

Labcorp Genetics (formerly Invitae), Labcorp
Classification: Uncertain significance. Last evaluated: 2021-03-24. Review status: criteria provided, single submitter. Criteria: Invitae Variant Classification Sherloc (09022015). Collection method: clinical testing. Allele origin: germline.
Comment: In summary, the available evidence is currently insufficient to determine the role of this variant in disease. Therefore, it has been classified as a Variant of Uncertain Significance. Algorithms developed to predict the effect of missense changes on protein structure and function (SIFT, PolyPhen-2, Align-GVGD) all suggest that this variant is likely to be tolerated, but these predictions have not been confirmed by published functional studies and their clinical significance is uncertain. This variant has not been reported in the literature in individuals with MOCS3-related conditions. This variant is not present in population databases (ExAC no frequency). This sequence change replaces glutamine with histidine at codon 16 of the MOCS3 protein (p.Gln16His). The glutamine residue is weakly conserved and there is a small physicochemical difference between glutamine and histidine.

NM_014484.5(MOCS3):c.48A>C (p.Gln16His)

Gene: MOCS3 (molybdenum cofactor synthesis 3; plus strand). Cytogenetic location: 20q13.13.
Variant type: single nucleotide variant.
Coding change: c.48A>C on transcript NM_014484.5 (MANE Select); coding-DNA position 48, A replaced by C.
Protein change: p.Gln16His; replaces glutamine 16 with histidine.
Molecular consequence: missense variant.
Genome position (GRCh38, 1-based): chr20:50,958,890, A>C. VCF-style: chr20-50958890-A-C. GRCh37 (hg19) VCF-style: chr20-49575427-A-C.
Other names: short protein forms Q16H.
Identifiers: ClinVar variation 1416213 (VCV001416213.8), dbSNP rs771095371, ClinGen allele CA408981645.
Genomic context (GRCh38, chr20:50,958,890, plus strand): 5'-GGAAGAGGTCGCCATGGCTTCCCGGGAGGAGGTACTCGCCTTACAAGCTGAAGTTGCCCA[A>C]CGTGAGGAGGAATTGAATTCGCTGAAGCAGAAGCTGGCGTCGGCTCTTTTGGCTGAGCAG-3'
Protein context (NP_055299.1, residues 6-26): EVLALQAEVA[Gln16His]REEELNSLKQ